The following is an entry in ClinVar:

NM_020919.4(ALS2):c.2326A>G (p.Ser776Gly)

Gene: ALS2 (alsin Rho guanine nucleotide exchange factor ALS2; minus strand). Cytogenetic location: 2q33.1.
Variant type: single nucleotide variant.
Coding change: c.2326A>G on transcript NM_020919.4 (MANE Select); coding-DNA position 2326, A replaced by G.
Protein change: p.Ser776Gly; replaces serine 776 with glycine.
Molecular consequence: missense variant.
Genome position (GRCh38, 1-based): chr2:201,741,699, T>C on the plus strand (A>G on the coding strand, the complement: ALS2 is on the minus strand). VCF-style: chr2-201741699-T-C. GRCh37 (hg19) VCF-style: chr2-202606422-T-C.
Other names: short protein forms S776G.
Identifiers: ClinVar variation 995262 (VCV000995262.2), dbSNP rs778099581, ClinGen allele CA2058231.
Genomic context (GRCh38, chr2:201,741,699, plus strand): 5'-CAGAGATTGAACATGACACGGGACTGGATACTTGCTCTGTATAACTATCCAAGAAGAGAC[T>C]TGAATGCTTCAGGATGACCAAACTCCTGGCTTCCTTTACCCCATGAAGGAAGCTGCTCAA-3'
Protein context (NP_065970.2, residues 766-786): ARSLVILKHS[Ser776Gly]LFLDSYTEYC

ClinVar aggregate classification (germline): Uncertain significance. Review status: criteria provided, multiple submitters, no conflicts (2 of 4 stars). 2 submissions from 2 submitters: Uncertain significance (2). Last evaluated 2025-11-07.

Conditions:
ALS2-related disorder. Also called: ALS2-Related Spectrum Disorders; ALS2-related disorders; ALS2-related condition. Identifiers: MedGen CN169291.

Allele frequency attached by ClinVar (database versions not stated): ExAC 0.00002; gnomAD 0.00002; gnomAD exomes 0.00002; TOPMed 0.00003.
gnomAD v4.1: 20 of 1,614,000 alleles (0.0012%); highest among the groups gnomAD compares: African/African-American, 0.0027%; no homozygotes.

Submissions (2):

PreventionGenetics, part of Exact Sciences
Classification: Uncertain significance for ALS2-related condition. Last evaluated: 2025-11-07. Review status: criteria provided, single submitter. Criteria: ACMG Guidelines, 2015. Collection method: clinical testing. Allele origin: germline.
Comment: The ALS2 c.2326A>G variant is predicted to result in the amino acid substitution p.Ser776Gly. To our knowledge, this variant has not been reported in the literature. This variant is reported in 0.0040% of alleles in individuals of European (Finnish) descent in gnomAD. At this time, the clinical significance of this variant is uncertain due to the absence of conclusive functional and genetic evidence.

Athena Diagnostics
Classification: Uncertain significance. Last evaluated: 2019-11-22. Review status: criteria provided, single submitter. Criteria: Athena Diagnostics Criteria. Collection method: clinical testing. Allele origin: unknown.